The following is an entry in ClinVar:

NM_002485.5(NBN):c.2128_2132del (p.Ala710fs)

Gene: NBN (nibrin; minus strand). Cytogenetic location: 8q21.3.
Variant type: Deletion.
Coding change: c.2128_2132del on transcript NM_002485.5 (MANE Select); coding-DNA positions 2128 to 2132, 5 bases deleted (GCTCA; older notation c.2128_2132delGCTCA).
Protein change: p.Ala710fs; shifts the reading frame from alanine 710.
Molecular consequence: frameshift variant.
Genome position (GRCh38, 1-based): chr8:89,943,305-89,943,309, TGAGC deleted on the plus strand (GCTCA on the coding strand, the reverse complement: NBN is on the minus strand); deleting any 5 consecutive bases within chr8:89,943,305-89,943,310 gives the same sequence; the c. name uses the placement nearest the transcript's 3' end. VCF-style (leftmost placement, unchanged base first): chr8-89943304-ATGAGC-A. GRCh37 (hg19) VCF-style: chr8-90955532-ATGAGC-A.
Other names: c.1882_1886del, p.Ala628fs (NM_001024688.3); short protein forms A628fs, A710fs.
Identifiers: ClinVar variation 1066926 (VCV001066926.7), dbSNP rs2130755743, ClinGen allele CA2499219406.

ClinVar aggregate classification (germline): Likely pathogenic (1 of 4 stars; one submission).

Conditions:
Microcephaly, normal intelligence and immunodeficiency (NBS). Also called: Microcephaly with normal intelligence immunodeficiency and lymphoreticular malignancies; Nonsyndromal microcephaly autosomal recessive with normal intelligence; Seemanova syndrome 2; SEEMANOVA SYNDROME II; BERLIN BREAKAGE SYNDROME; Immunodeficiency, microcephaly with normal intelligence. Identifiers: Orphanet 647, MedGen C0398791, MONDO:0009623, OMIM 251260.

Submission:

Labcorp Genetics (formerly Invitae), Labcorp
Classification: Likely pathogenic for Microcephaly, normal intelligence and immunodeficiency. Last evaluated: 2023-05-08. Review status: criteria provided, single submitter. Criteria: Invitae Variant Classification Sherloc (09022015). Collection method: clinical testing. Allele origin: germline.
Comment: This variant has not been reported in the literature in individuals affected with NBN-related conditions. In summary, the currently available evidence indicates that the variant is pathogenic, but additional data are needed to prove that conclusively. Therefore, this variant has been classified as Likely Pathogenic. This variant disrupts the ATM interaction domain of the NBN protein (PMID: 24894818, 21035407), which is important for activating ATM in the double-strand break repair pathway (PMID: 15964794, 15048089). While functional studies have not been performed to directly test the effect of this variant on NBN protein function, this suggests that disruption of this region of the protein is causative of disease. ClinVar contains an entry for this variant (Variation ID: 1066926). This variant is not present in population databases (gnomAD no frequency). This sequence change creates a premature translational stop signal (p.Ala710Serfs*30) in the NBN gene. While this is not anticipated to result in nonsense mediated decay, it is expected to disrupt the last 45 amino acid(s) of the NBN protein.

Literature cited by the submitters: PubMed 24894818; PubMed 21035407; PubMed 15964794; PubMed 15048089.